The following is an entry in ClinVar:

ClinVar aggregate classification (germline): Uncertain significance (1 of 4 stars; one submission).

Conditions:
Neurodevelopmental disorder with or without variable brain abnormalities; NEDBA. Also called: NEURODEVELOPMENTAL DISORDER WITH OR WITHOUT VARIABLE BRAIN ABNORMALITIES. Identifiers: MedGen C5193102, MONDO:0032755, OMIM 618443.

gnomAD v4.1: 4 of 1,613,820 alleles (0.00025%); highest among the groups gnomAD compares: South Asian, 0.0033%; no homozygotes.

Submission:

Neuberg Centre For Genomic Medicine, NCGM
Classification: Uncertain significance for Neurodevelopmental disorder with or without variable brain abnormalities; NEDBA. Review status: criteria provided, single submitter. Criteria: ACMG Guidelines, 2015. Collection method: clinical testing. Allele origin: germline. Inheritance: Autosomal dominant inheritance. Affected: yes.
Comment: The missense variant c.923G>T (p.Arg308Leu) in MAPK8IP3 gene has not been reported previously as a pathogenic variant nor as a benign variant, to our knowledge. The p.Arg308Leu variant is novel (not in any individuals) in 1000 Genomes and allele frequency of 0.0004019% is reported in gnomAD. The amino acid Arg at position 308 is changed to a Leu changing protein sequence and it might alter its composition and physico-chemical properties. For these reasons, this variant has been classified as Uncertain Significance .

NM_001318852.2(MAPK8IP3):c.923G>T (p.Arg308Leu)

Gene: MAPK8IP3 (mitogen-activated protein kinase 8 interacting protein 3; plus strand). Cytogenetic location: 16p13.3.
Variant type: single nucleotide variant.
Coding change: c.923G>T on transcript NM_001318852.2 (MANE Select); coding-DNA position 923, G replaced by T.
Protein change: p.Arg308Leu; replaces arginine 308 with leucine.
Molecular consequence: missense variant.
Genome position (GRCh38, 1-based): chr16:1,747,204, G>T. VCF-style: chr16-1747204-G-T. GRCh37 (hg19) VCF-style: chr16-1797205-G-T.
Other names: c.920G>T, p.Arg307Leu (NM_001040439.2, NM_015133.5, NM_033392.3); short protein forms R308L, R307L.
Identifiers: ClinVar variation 2585559 (VCV002585559.1), dbSNP rs751053601, ClinGen allele CA394228659.